The following is an entry in ClinVar:

ClinVar aggregate classification (germline): Pathogenic (1 of 4 stars; one submission).

Allele frequency attached by ClinVar (database versions not stated): gnomAD exomes below 0.00001.
gnomAD v4.1: 1 of 1,608,150 alleles (0.000062%); highest among the groups gnomAD compares: Non-Finnish European, 0.000085%; no homozygotes.

Submission:

GeneDx
Classification: Pathogenic. Last evaluated: 2024-11-27. Review status: criteria provided, single submitter. Criteria: GeneDx Variant Classification Process June 2021. Collection method: clinical testing. Allele origin: germline. Affected: yes.
Comment: Canonical splice site variant predicted to result in a null allele in a gene for which loss of function is a known mechanism of disease; Not observed at significant frequency in large population cohorts (gnomAD); Has not been previously published as pathogenic or benign to our knowledge

NM_000814.6(GABRB3):c.240+2T>C

Gene: GABRB3 (gamma-aminobutyric acid type A receptor subunit beta3; minus strand). Cytogenetic location: 15q12.
Variant type: single nucleotide variant.
Coding change: c.240+2T>C on transcript NM_000814.6 (MANE Select); the canonical splice donor site of the intron after coding-DNA position 240, T replaced by C.
Molecular consequence: splice donor variant.
Genome position (GRCh38, 1-based): chr15:26,772,400, A>G on the plus strand (T>C on the coding strand, the complement: GABRB3 is on the minus strand). VCF-style: chr15-26772400-A-G. GRCh37 (hg19) VCF-style: chr15-27017547-A-G.
Other names: c.240+2T>C (NM_021912.5); c.-112+2T>C (NM_001278631.2).
Identifiers: ClinVar variation 1315905 (VCV001315905.4), dbSNP rs2140199019, ClinGen allele CA391465150.